The following is an entry in ClinVar:

NM_024649.5(BBS1):c.432+5A>G

Gene: BBS1 (Bardet-Biedl syndrome 1; plus strand). Cytogenetic location: 11q13.2.
Variant type: single nucleotide variant.
Coding change: c.432+5A>G on transcript NM_024649.5 (MANE Select); 5 bases into the intron after coding-DNA position 432, A replaced by G.
Molecular consequence: intron variant.
Genome position (GRCh38, 1-based): chr11:66,514,683, A>G. VCF-style: chr11-66514683-A-G. GRCh37 (hg19) VCF-style: chr11-66282154-A-G.
Identifiers: ClinVar variation 851085 (VCV000851085.7), dbSNP rs373923317, ClinGen allele CA6123325.
Genomic context (GRCh38, chr11:66,514,683, plus strand): 5'-TGCCCCAATTGCCTCCAAATCCTCTGGAACAAGACCTTTGGAACCAGGCCAAAGAGGTAA[A>G]TAAATAACATGGGAGTTGGGAACCAGAAGGCAAAGATGGCAGCCACTGGGTGAAGAGGGC-3'

ClinVar aggregate classification (germline): Conflicting classifications of pathogenicity. Review status: criteria provided, conflicting classifications (1 of 4 stars). 4 submissions from 4 submitters: Uncertain significance (1); Likely benign (1). 2 of the submissions do not count toward it. Last evaluated 2024-06-07.

Conditions:
BBS1-related disorder. Also called: BBS1-related condition.
Bardet-Biedl syndrome (BBS). Identifiers: Orphanet 110, MedGen C0752166, MONDO:0015229.
Bardet-Biedl syndrome 1 (BBS1). Identifiers: MedGen C2936862, MONDO:0008854, OMIM 209900. Disease mechanism: loss of function.

Allele frequency attached by ClinVar (database versions not stated): ESP Exome Variant Server 0.00015; gnomAD exomes 0.00016 and 0.00036; TOPMed 0.00017; ExAC 0.00018; gnomAD 0.00020 and 0.00021.
gnomAD v4.1: 549 of 1,609,842 alleles (0.034%); highest among the groups gnomAD compares: Non-Finnish European, 0.044%; no homozygotes.

Submissions (5):

Blueprint Genetics
Classification: Likely benign. Last evaluated: 2024-06-07. Review status: criteria provided, single submitter. Criteria: ACMG Guidelines, 2015. Collection method: clinical testing. Allele origin: germline.

Labcorp Genetics (formerly Invitae), Labcorp
Classification: Uncertain significance for Bardet-Biedl syndrome. Last evaluated: 2022-10-05. Review status: criteria provided, single submitter. Criteria: Invitae Variant Classification Sherloc (09022015). Collection method: clinical testing. Allele origin: germline.
Comment: This sequence change falls in intron 4 of the BBS1 gene. It does not directly change the encoded amino acid sequence of the BBS1 protein. It affects a nucleotide within the consensus splice site. This variant is present in population databases (rs373923317, gnomAD 0.03%). This variant has not been reported in the literature in individuals affected with BBS1-related conditions. ClinVar contains an entry for this variant (Variation ID: 851085). Variants that disrupt the consensus splice site are a relatively common cause of aberrant splicing (PMID: 17576681, 9536098). Algorithms developed to predict the effect of sequence changes on RNA splicing suggest that this variant is not likely to affect RNA splicing. In summary, the available evidence is currently insufficient to determine the role of this variant in disease. Therefore, it has been classified as a Variant of Uncertain Significance.

PreventionGenetics, part of Exact Sciences
Classification: Likely benign for BBS1-related condition. Last evaluated: 2020-10-29. Review status: no assertion criteria provided. Collection method: clinical testing. Allele origin: germline. Not counted in ClinVar's aggregate classification.
Comment: This variant is classified as likely benign based on ACMG/AMP sequence variant interpretation guidelines (Richards et al. 2015 PMID: 25741868, with internal and published modifications).

Natera, Inc.
Classification: Uncertain significance for Bardet-Biedl syndrome type 1. Last evaluated: 2020-04-14. Review status: no assertion criteria provided. Collection method: clinical testing. Allele origin: germline. Not counted in ClinVar's aggregate classification.

Dr. Peter K. Rogan Lab, Western University
No classification provided (evidence only). Condition: Lung cancer. Review status: no classification provided. Collection method: in vitro. Allele origin: not applicable. Functional consequence: retained intron. Not counted in ClinVar's aggregate classification.

Literature cited by the submitters: PubMed 17576681 (cited by Labcorp Genetics (formerly Invitae), Labcorp); PubMed 9536098 (cited by Labcorp Genetics (formerly Invitae), Labcorp).